The following is an entry in ClinVar:

ClinVar aggregate classification (germline): Pathogenic (1 of 4 stars; one submission).

Conditions:
Cardiovascular phenotype. Identifiers: MedGen CN230736.
Hereditary cancer-predisposing syndrome. Also called: Hereditary Cancer Syndrome; Hereditary neoplastic syndrome; Neoplastic Syndromes, Hereditary; Tumor predisposition. Identifiers: Orphanet 140162, MedGen C0027672, MeSH D009386, MONDO:0015356.

Submission:

Ambry Genetics
Classification: Pathogenic for Cardiovascular phenotype; Hereditary cancer-predisposing syndrome. Last evaluated: 2021-12-27. Review status: criteria provided, single submitter. Criteria: Ambry Variant Classification Scheme 2023. Collection method: clinical testing. Allele origin: germline.
Comment: The p.E431* variant (also known as c.1291G>T), located in coding exon 12 of the LZTR1 gene, results from a G to T substitution at nucleotide position 1291. This changes the amino acid from a glutamic acid to a stop codon within coding exon 12. This alteration is expected to result in loss of function by premature protein truncation or nonsense-mediated mRNA decay. Loss-of-function variants in LZTR1 are related to an increased risk for schwannomas and autosomal recessive Noonan syndrome; however, such associations with autosomal dominant Noonan syndrome have not been observed (Piotrowski A et al. Nat Genet. 2014 Feb;46:182-7; Yamamoto GL et al. J Med Genet. 2015 Jun;52:413-21; Johnston JJ et al. Genet Med. 2018 10;20:1175-1185). Based on the supporting evidence, this variant is pathogenic for an increased risk of LZTR1-related schwannomatosis (SWN) and would be expected to cause autosomal recessive Noonan syndrome when present along with a second pathogenic or likely pathogenic variant on the other allele; however, the association of this alteration with autosomal dominant Noonan syndrome is unlikely.

NM_006767.4(LZTR1):c.1291G>T (p.Glu431Ter)

Gene: LZTR1 (leucine zipper like post translational regulator 1; plus strand). Cytogenetic location: 22q11.21.
Variant type: single nucleotide variant.
Coding change: c.1291G>T on transcript NM_006767.4 (MANE Select); coding-DNA position 1291, G replaced by T.
Protein change: p.Glu431Ter; replaces glutamic acid 431 with a stop codon.
Molecular consequence: nonsense.
Genome position (GRCh38, 1-based): chr22:20,993,692, G>T. VCF-style: chr22-20993692-G-T. GRCh37 (hg19) VCF-style: chr22-21347981-G-T.
Other names: short protein forms E431*.
Identifiers: ClinVar variation 1769118 (VCV001769118.2), dbSNP rs756500067, ClinGen allele CA410774420.